The following is an entry in ClinVar:

ClinVar aggregate classification (germline): Likely benign (1 of 4 stars; one submission).

Submission:

CeGaT Center for Human Genetics Tuebingen
Classification: Likely benign. Last evaluated: 2025-10-01. Review status: criteria provided, single submitter. Criteria: CeGaT Center For Human Genetics Tuebingen Variant Classification Criteria Version 2. Collection method: clinical testing. Allele origin: germline. Affected: yes. Observed: 1 variant allele.
Comment: POTEJ: BP4, BP7

NM_001277083.2(POTEJ):c.2283C>T (p.Pro761=)

Gene: POTEJ (POTE ankyrin domain family member J; plus strand). Cytogenetic location: 2q21.1.
Variant type: single nucleotide variant.
Coding change: c.2283C>T on transcript NM_001277083.2 (MANE Select); coding-DNA position 2283, C replaced by T.
Protein change: p.Pro761=; no amino-acid change (proline 761 retained).
Molecular consequence: synonymous variant.
Genome position (GRCh38, 1-based): chr2:130,657,043, C>T. VCF-style: chr2-130657043-C-T. GRCh37 (hg19) VCF-style: chr2-131414616-C-T.
Identifiers: ClinVar variation 4533817 (VCV004533817.6).